The following is an entry in ClinVar:

ClinVar aggregate classification (germline): Likely benign (0 of 4 stars; one submission).

Conditions:
ESPL1-related disorder. Also called: ESPL1-related condition.

Allele frequency attached by ClinVar (database versions not stated): TOPMed 0.00007; ESP Exome Variant Server 0.00008; gnomAD 0.00023; gnomAD exomes 0.00032; ExAC 0.00081; 1000 Genomes Project 30x 0.00125; 1000 Genomes Project 0.00140.

Submission:

PreventionGenetics, part of Exact Sciences
Classification: Likely benign for ESPL1-related condition. Last evaluated: 2019-05-24. Review status: no assertion criteria provided. Collection method: clinical testing. Allele origin: germline.
Comment: This variant is classified as likely benign based on ACMG/AMP sequence variant interpretation guidelines (Richards et al. 2015 PMID: 25741868, with internal and published modifications).

NM_012291.5(ESPL1):c.3953G>A (p.Arg1318Gln)

Gene: ESPL1 (extra spindle pole bodies like 1, separase; plus strand). Cytogenetic location: 12q13.13.
Variant type: single nucleotide variant.
Coding change: c.3953G>A on transcript NM_012291.5 (MANE Select); coding-DNA position 3953, G replaced by A.
Protein change: p.Arg1318Gln; replaces arginine 1318 with glutamine.
Molecular consequence: missense variant.
Genome position (GRCh38, 1-based): chr12:53,286,689, G>A. VCF-style: chr12-53286689-G-A. GRCh37 (hg19) VCF-style: chr12-53680473-G-A.
Other names: short protein forms R1318Q.
Identifiers: ClinVar variation 3038521 (VCV003038521.2), dbSNP rs139654136, ClinGen allele CA6597573.
Genomic context (GRCh38, chr12:53,286,689, plus strand): 5'-TAATAAAAAGTGTCCCTGGCTCAGAGCCCTCTAAGACTCAGGGCCAAAAACGTTCTGGAC[G>A]AGGGCGCCAAAAGTTAGCCTCTGCTCCCCTGCGCCTCAATAATACCTCTCAGAAAGGTCT-3'
Protein context (NP_036423.4, residues 1308-1328): SKTQGQKRSG[Arg1318Gln]GRQKLASAPL